The following is an entry in ClinVar:

ClinVar aggregate classification (germline): Uncertain significance (1 of 4 stars; one submission).

Conditions:
Inborn genetic diseases. Identifiers: MedGen C0950123, MeSH D030342.

Submission:

Ambry Genetics
Classification: Uncertain significance for Inborn genetic diseases. Last evaluated: 2022-10-12. Review status: criteria provided, single submitter. Criteria: Ambry Variant Classification Scheme 2023. Collection method: clinical testing. Allele origin: germline.
Comment: The p.W82L variant (also known as c.245G>T), located in coding exon 3 of the LRRK2 gene, results from a G to T substitution at nucleotide position 245. The tryptophan at codon 82 is replaced by leucine, an amino acid with similar properties. This amino acid position is conserved. In addition, the in silico prediction for this alteration is inconclusive. Since supporting evidence is limited at this time, the clinical significance of this alteration remains unclear.

NM_198578.4(LRRK2):c.245G>T (p.Trp82Leu)

Gene: LRRK2 (leucine rich repeat kinase 2; plus strand). Cytogenetic location: 12q12.
Variant type: single nucleotide variant.
Coding change: c.245G>T on transcript NM_198578.4 (MANE Select); coding-DNA position 245, G replaced by T.
Protein change: p.Trp82Leu; replaces tryptophan 82 with leucine.
Molecular consequence: missense variant.
Genome position (GRCh38, 1-based): chr12:40,232,281, G>T. VCF-style: chr12-40232281-G-T. GRCh37 (hg19) VCF-style: chr12-40626083-G-T.
Other names: short protein forms W82L.
Identifiers: ClinVar variation 1791615 (VCV001791615.2), dbSNP rs2499381010, ClinGen allele CA384401265.